The following is an entry in ClinVar:

NM_002317.7(LOX):c.740+1G>T

Genes: LOX (lysyl oxidase; minus strand), SRFBP1 (serum response factor binding protein 1; plus strand). Cytogenetic location: 5q23.1.
Variant type: single nucleotide variant.
Coding change: c.740+1G>T on transcript NM_002317.7 (MANE Select); the canonical splice donor site of the intron after coding-DNA position 740, G replaced by T.
Molecular consequence: splice donor variant. On other transcripts: intron variant (1).
Genome position (GRCh38, 1-based): chr5:122,076,892, C>A on the plus strand (G>T on the coding strand, the complement: LOX is on the minus strand). VCF-style: chr5-122076892-C-A. GRCh37 (hg19) VCF-style: chr5-121412587-C-A.
Other names: c.50+1G>T (NM_001178102.2); c.-152+200G>T (NM_001317073.1).
Identifiers: ClinVar variation 2118194 (VCV002118194.5), dbSNP rs1754653752, ClinGen allele CA360874753.
Genomic context (GRCh38, chr5:122,076,892, plus strand): 5'-GCACCAGAGCGCCCCCTGAAGGTAGACCGGGGAGCGGGGCCTCAGACATATCAGCCCGTA[C>A]CTGGCCAGACAGTTTTCCTCCGCCGCGCATCTCAGGTTGTACATGGACATCTTCTGCACG-3'

ClinVar aggregate classification (germline): Pathogenic/Likely pathogenic. Review status: criteria provided, multiple submitters, no conflicts (2 of 4 stars). 2 submissions from 2 submitters: Pathogenic (1); Likely pathogenic (1). Last evaluated 2026-02-20.

Allele frequency attached by ClinVar (database versions not stated): TOPMed below 0.00001.

Submissions (2):

GeneDx
Classification: Pathogenic. Last evaluated: 2026-02-20. Review status: criteria provided, single submitter. Criteria: GeneDx Variant Classification Process June 2021. Collection method: clinical testing. Allele origin: germline.
Comment: Canonical splice site variant predicted to result in a null allele in a gene for which loss of function is a known mechanism of disease; Not observed at significant frequency in large population cohorts (gnomAD); Has not been previously published as pathogenic or benign to our knowledge

Labcorp Genetics (formerly Invitae), Labcorp
Classification: Likely pathogenic. Last evaluated: 2023-10-14. Review status: criteria provided, single submitter. Criteria: Invitae Variant Classification Sherloc (09022015). Collection method: clinical testing. Allele origin: germline.
Comment: This sequence change affects a donor splice site in intron 2 of the LOX gene. It is expected to disrupt RNA splicing. Variants that disrupt the donor or acceptor splice site typically lead to a loss of protein function (PMID: 16199547), and loss-of-function variants in LOX are known to be pathogenic (PMID: 12417550, 26838787, 27432961). This variant is not present in population databases (gnomAD no frequency). This variant has not been reported in the literature in individuals affected with LOX-related conditions. ClinVar contains an entry for this variant (Variation ID: 2118194). Algorithms developed to predict the effect of sequence changes on RNA splicing suggest that this variant may disrupt the consensus splice site. In summary, the currently available evidence indicates that the variant is pathogenic, but additional data are needed to prove that conclusively. Therefore, this variant has been classified as Likely Pathogenic.

Literature cited by the submitters: PubMed 16199547 (cited by Labcorp Genetics (formerly Invitae), Labcorp); PubMed 12417550 (cited by Labcorp Genetics (formerly Invitae), Labcorp); PubMed 26838787 (cited by Labcorp Genetics (formerly Invitae), Labcorp); PubMed 27432961 (cited by Labcorp Genetics (formerly Invitae), Labcorp).